The following is an entry in ClinVar:

NM_003632.3(CNTNAP1):c.1599C>T (p.Val533=)

Gene: CNTNAP1 (contactin associated protein 1; plus strand). Cytogenetic location: 17q21.2.
Variant type: single nucleotide variant.
Coding change: c.1599C>T on transcript NM_003632.3 (MANE Select); coding-DNA position 1599, C replaced by T.
Protein change: p.Val533=; no amino-acid change (valine 533 retained).
Molecular consequence: synonymous variant.
Genome position (GRCh38, 1-based): chr17:42,689,018, C>T. VCF-style: chr17-42689018-C-T. GRCh37 (hg19) VCF-style: chr17-40841036-C-T.
Other names: p.Val533=.
Identifiers: ClinVar variation 4684214 (VCV004684214.1).

ClinVar aggregate classification (germline): Likely benign (1 of 4 stars; one submission).

Submission:

Mayo Clinic Laboratories, Mayo Clinic
Classification: Likely benign. Last evaluated: 2025-04-30. Review status: criteria provided, single submitter. Criteria: ACMG Guidelines, 2015. Collection method: clinical testing. Allele origin: germline. Observed: 1 variant allele.
Comment: BP4, BP7